The following is an entry in ClinVar:

ClinVar aggregate classification (germline): Uncertain significance. Review status: criteria provided, multiple submitters, no conflicts (2 of 4 stars). 3 submissions from 3 submitters: Uncertain significance (2). 1 of the submissions does not count toward it. Last evaluated 2021-08-31.

Conditions:
Familial dysautonomia. Also called: FD; HSAN III. Identifiers: Orphanet 1764, MedGen C0013364, MONDO:0009131, OMIM 223900. Disease mechanism: loss of function.

Allele frequency attached by ClinVar (database versions not stated): gnomAD exomes below 0.00001; gnomAD 0.00001.
gnomAD v4.1: 5 of 1,613,828 alleles (0.00031%); highest among the groups gnomAD compares: African/African-American, 0.0027%; no homozygotes.

Submissions (3):

Labcorp Genetics (formerly Invitae), Labcorp
Classification: Uncertain significance. Last evaluated: 2021-08-31. Review status: criteria provided, single submitter. Criteria: Invitae Variant Classification Sherloc (09022015). Collection method: clinical testing. Allele origin: germline.
Comment: This sequence change replaces leucine with phenylalanine at codon 970 of the ELP1 protein (p.Leu970Phe). The leucine residue is highly conserved and there is a small physicochemical difference between leucine and phenylalanine. This variant is not present in population databases (ExAC no frequency). This variant has not been reported in the literature in individuals affected with ELP1-related conditions. Algorithms developed to predict the effect of missense changes on protein structure and function are either unavailable or do not agree on the potential impact of this missense change (SIFT: "Deleterious"; PolyPhen-2: "Probably Damaging"; Align-GVGD: "Class C15"). In summary, the available evidence is currently insufficient to determine the role of this variant in disease. Therefore, it has been classified as a Variant of Uncertain Significance.

Ambry Genetics
Classification: Uncertain significance. Last evaluated: 2021-08-04. Review status: criteria provided, single submitter. Criteria: Ambry Variant Classification Scheme 2023. Collection method: clinical testing. Allele origin: germline.
Comment: The p.L970F variant (also known as c.2910G>T), located in coding exon 26 of the IKBKAP gene, results from a G to T substitution at nucleotide position 2910. The leucine at codon 970 is replaced by phenylalanine, an amino acid with highly similar properties. This amino acid position is conserved. In addition, the in silico prediction for this alteration is inconclusive. Since supporting evidence is limited at this time, the clinical significance of this alteration remains unclear.

Natera, Inc.
Classification: Uncertain significance for Familial dysautonomia. Last evaluated: 2020-05-21. Review status: no assertion criteria provided. Collection method: clinical testing. Allele origin: germline. Not counted in ClinVar's aggregate classification.

NM_003640.5(ELP1):c.2910G>T (p.Leu970Phe)

Gene: ELP1 (elongator acetyltransferase complex subunit 1; minus strand). Cytogenetic location: 9q31.3.
Variant type: single nucleotide variant.
Coding change: c.2910G>T on transcript NM_003640.5 (MANE Select); coding-DNA position 2910, G replaced by T.
Protein change: p.Leu970Phe; replaces leucine 970 with phenylalanine.
Molecular consequence: missense variant.
Genome position (GRCh38, 1-based): chr9:108,893,034, C>A on the plus strand (G>T on the coding strand, the complement: ELP1 is on the minus strand). VCF-style: chr9-108893034-C-A. GRCh37 (hg19) VCF-style: chr9-111655314-C-A.
Other names: c.2568G>T, p.Leu856Phe (NM_001318360.2); c.1863G>T, p.Leu621Phe (NM_001330749.2); short protein forms L856F, L621F, L970F.
Identifiers: ClinVar variation 949768 (VCV000949768.9), dbSNP rs146198104, ClinGen allele CA374418363.